The following is an entry in ClinVar:

NM_018344.6(SLC29A3):c.-4C>T

Genes: SLC29A3 (solute carrier family 29 member 3; plus strand), LOC130004025 (ATAC-STARR-seq lymphoblastoid silent region 2461; plus strand). Cytogenetic location: 10q22.1.
Variant type: single nucleotide variant.
Coding change: c.-4C>T on transcript NM_018344.6 (MANE Select); 4 bases upstream of the start codon, C replaced by T.
Molecular consequence: 5 prime UTR variant. On other transcripts: non-coding transcript variant (2).
Genome position (GRCh38, 1-based): chr10:71,319,306, C>T. VCF-style: chr10-71319306-C-T. GRCh37 (hg19) VCF-style: chr10-73079063-C-T.
Other names: c.-4C>T (NM_001174098.2); c.-659C>T (NM_001363518.2).
Identifiers: ClinVar variation 4689267 (VCV004689267.1).

ClinVar aggregate classification (germline): Uncertain significance (1 of 4 stars; one submission).

gnomAD v4.1: 16 of 645,578 alleles (0.0025%); highest among the groups gnomAD compares: East Asian, 0.0066%; no homozygotes.

Submission:

Women's Health and Genetics/Laboratory Corporation of America, LabCorp
Classification: Uncertain significance. Last evaluated: 2026-01-19. Review status: criteria provided, single submitter. Criteria: LabCorp Variant Classification Summary - May 2015. Collection method: clinical testing. Allele origin: germline.
Comment: Variant summary: SLC29A3 c.-4C>T is located in the untranslated mRNA region upstream of the initiation codon. The frequency data for this variant in gnomAD is considered unreliable, as metrics indicate poor data quality at this position. To our knowledge, no occurrence of c.-4C>T in individuals affected with SLC29A3-related conditions and no experimental evidence demonstrating its impact on protein function have been reported. No submitters have cited clinical-significance assessments for this variant to ClinVar. Based on the evidence outlined above, the variant was classified as uncertain significance.